The following is an entry in ClinVar:

ClinVar aggregate classification (germline): Likely pathogenic (1 of 4 stars; one submission).

Conditions:
Niemann-Pick disease, type C2 (NPC2). Identifiers: Orphanet 646, MedGen C1843366, MONDO:0011873, OMIM 607625.

Submission:

Natera, Inc.
Classification: Likely pathogenic for Niemann-Pick disease type C2. Last evaluated: 2024-06-06. Review status: criteria provided, single submitter. Criteria: Natera Variant Classification Schema (03/2026). Collection method: clinical testing. Allele origin: germline.
Comment: The c.454dup variant in NPC2 is a frameshift variant affecting the termination codon which is predicted to elongate the protein beyond the termination codon. This variant is rare in the general population with a frequency below the threshold expected for the associated phenotype(s). Given the available evidence, this variant is classified as Likely Pathogenic.

NM_006432.5(NPC2):c.454dup (p.Ter152LeuextTer?)

Gene: NPC2 (NPC intracellular cholesterol transporter 2; minus strand). Cytogenetic location: 14q24.3.
Variant type: Duplication.
Coding change: c.454dup on transcript NM_006432.5 (MANE Select); coding-DNA position 454, one base duplicated (T; older notation c.454dupT).
Protein change: p.Ter152LeuextTer?.
Molecular consequence: frameshift variant, stop lost. On other transcripts: 3 prime UTR variant (1).
Genome position (GRCh38, 1-based): chr14:74,480,276, A duplicated on the plus strand (T on the coding strand, the reverse complement: NPC2 is on the minus strand). VCF-style (leftmost placement, unchanged base first): chr14-74480275-T-TA. GRCh37 (hg19) VCF-style: chr14-74946978-T-TA.
Other names: c.*342dup (NM_001363688.1); c.376dup, p.Ter126LeuextTer? (NM_001375440.1).
Identifiers: ClinVar variation 4815506 (VCV004815506.1).